The following is an entry in ClinVar:

ClinVar aggregate classification (germline): Uncertain significance (1 of 4 stars; one submission).

Allele frequency attached by ClinVar (database versions not stated): gnomAD exomes below 0.00001; ExAC 0.00001; gnomAD 0.00001; TOPMed 0.00002; ESP Exome Variant Server 0.00008.

Submission:

Labcorp Genetics (formerly Invitae), Labcorp
Classification: Uncertain significance. Last evaluated: 2021-11-12. Review status: criteria provided, single submitter. Criteria: Invitae Variant Classification Sherloc (09022015). Collection method: clinical testing. Allele origin: germline.
Comment: In summary, the available evidence is currently insufficient to determine the role of this variant in disease. Therefore, it has been classified as a Variant of Uncertain Significance. Algorithms developed to predict the effect of missense changes on protein structure and function are either unavailable or do not agree on the potential impact of this missense change (SIFT: "Deleterious"; PolyPhen-2: "Benign"; Align-GVGD: "Class C0"). This variant has not been reported in the literature in individuals affected with ERCC5-related conditions. This variant is present in population databases (rs368200495, gnomAD 0.007%). This sequence change replaces aspartic acid, which is acidic and polar, with glycine, which is neutral and non-polar, at codon 564 of the ERCC5 protein (p.Asp564Gly).

NM_000123.4(ERCC5):c.1691A>G (p.Asp564Gly)

Genes: BIVM-ERCC5 (BIVM-ERCC5 readthrough; plus strand), ERCC5 (ERCC excision repair 5, endonuclease; plus strand). Cytogenetic location: 13q33.1.
Variant type: single nucleotide variant.
Coding change: c.1691A>G on transcript NM_000123.4 (MANE Select); coding-DNA position 1691, A replaced by G.
Protein change: p.Asp564Gly; replaces aspartic acid 564 with glycine.
Molecular consequence: missense variant.
Genome position (GRCh38, 1-based): chr13:102,862,840, A>G. VCF-style: chr13-102862840-A-G. GRCh37 (hg19) VCF-style: chr13-103515190-A-G.
Other names: c.3053A>G, p.Asp1018Gly (NM_001204425.2); short protein forms D1018G, D564G.
Identifiers: ClinVar variation 1523080 (VCV001523080.6), dbSNP rs368200495, ClinGen allele CA7041456.